The following is an entry in ClinVar:

ClinVar aggregate classification (germline): Uncertain significance (1 of 4 stars; one submission).

Submission:

GeneDx
Classification: Uncertain significance. Last evaluated: 2024-06-04. Review status: criteria provided, single submitter. Criteria: GeneDx Variant Classification Process June 2021. Collection method: clinical testing. Allele origin: germline. Affected: yes.
Comment: Not observed at significant frequency in large population cohorts (gnomAD); In silico analysis supports that this missense variant has a deleterious effect on protein structure/function; Has not been previously published as pathogenic or benign to our knowledge

NM_000214.3(JAG1):c.1850G>A (p.Cys617Tyr)

Gene: JAG1 (jagged canonical Notch ligand 1; minus strand). Cytogenetic location: 20p12.2.
Variant type: single nucleotide variant.
Coding change: c.1850G>A on transcript NM_000214.3 (MANE Select); coding-DNA position 1850, G replaced by A.
Protein change: p.Cys617Tyr; replaces cysteine 617 with tyrosine.
Molecular consequence: missense variant.
Genome position (GRCh38, 1-based): chr20:10,646,974, C>T on the plus strand (G>A on the coding strand, the complement: JAG1 is on the minus strand). VCF-style: chr20-10646974-C-T. GRCh37 (hg19) VCF-style: chr20-10627622-C-T.
Other names: short protein forms C617Y.
Identifiers: ClinVar variation 3384566 (VCV003384566.1).